The following is an entry in ClinVar:

ClinVar aggregate classification (germline): Uncertain significance (1 of 4 stars; one submission).

Allele frequency attached by ClinVar (database versions not stated): gnomAD exomes 0.00002 and 0.00003; TOPMed 0.00002; ExAC 0.00003; gnomAD 0.00003.
gnomAD v4.1: 14 of 1,572,866 alleles (0.00089%); highest among the groups gnomAD compares: Admixed American, 0.025%; no homozygotes.

Submission:

Labcorp Genetics (formerly Invitae), Labcorp
Classification: Uncertain significance. Last evaluated: 2023-04-14. Review status: criteria provided, single submitter. Criteria: Invitae Variant Classification Sherloc (09022015). Collection method: clinical testing. Allele origin: germline.
Comment: This variant is present in population databases (rs782520907, gnomAD 0.03%). In summary, the available evidence is currently insufficient to determine the role of this variant in disease. Therefore, it has been classified as a Variant of Uncertain Significance. Advanced modeling of protein sequence and biophysical properties (such as structural, functional, and spatial information, amino acid conservation, physicochemical variation, residue mobility, and thermodynamic stability) performed at Invitae indicates that this missense variant is not expected to disrupt HACD1 protein function. ClinVar contains an entry for this variant (Variation ID: 1423724). This variant has not been reported in the literature in individuals affected with HACD1-related conditions. This sequence change replaces threonine, which is neutral and polar, with asparagine, which is neutral and polar, at codon 255 of the HACD1 protein (p.Thr255Asn).

NM_014241.4(HACD1):c.764C>A (p.Thr255Asn)

Gene: HACD1 (3-hydroxyacyl-CoA dehydratase 1; minus strand). Cytogenetic location: 10p12.33.
Variant type: single nucleotide variant.
Coding change: c.764C>A on transcript NM_014241.4 (MANE Select); coding-DNA position 764, C replaced by A.
Protein change: p.Thr255Asn; replaces threonine 255 with asparagine.
Molecular consequence: missense variant.
Genome position (GRCh38, 1-based): chr10:17,594,225, G>T on the plus strand (C>A on the coding strand, the complement: HACD1 is on the minus strand). VCF-style: chr10-17594225-G-T. GRCh37 (hg19) VCF-style: chr10-17636224-G-T.
Other names: short protein forms T255N.
Identifiers: ClinVar variation 1423724 (VCV001423724.4), dbSNP rs782520907, ClinGen allele CA5427220.